The following is an entry in ClinVar:

ClinVar aggregate classification (germline): Pathogenic (1 of 4 stars; one submission).

Conditions:
Neurofibromatosis, type 1 (NF1). Also called: VON RECKLINGHAUSEN DISEASE; NEUROFIBROMATOSIS, TYPE I, SOMATIC; Peripheral type neurofibromatosis; Neurofibromatosis, type I. Identifiers: Orphanet 636, MedGen C0027831, MONDO:0018975, OMIM 162200. Disease mechanism: loss of function.

Submission:

Myriad Genetics, Inc.
Classification: Pathogenic for Neurofibromatosis, type 1. Last evaluated: 2026-06-30. Review status: criteria provided, single submitter. Criteria: Myriad Autosomal Dominant, Autosomal Recessive and X-Linked Classification Criteria (2023). Collection method: clinical testing. Allele origin: unknown.
Comment: This variant is considered pathogenic. This variant creates a frameshift predicted to result in premature protein truncation.

NM_001042492.3(NF1):c.3341_3343delinsGG (p.Leu1114fs)

Gene: NF1 (neurofibromin 1; plus strand). Cytogenetic location: 17q11.2.
Variant type: Indel.
Coding change: c.3341_3343delinsGG on transcript NM_001042492.3 (MANE Select); coding-DNA positions 3341 to 3343, TGA replaced by GG.
Protein change: p.Leu1114fs; shifts the reading frame from leucine 1114.
Molecular consequence: frameshift variant.
Genome position (GRCh38, 1-based): chr17:31,232,726-31,232,728, TGA replaced by GG. VCF-style: chr17-31232726-TGA-GG. GRCh37 (hg19) VCF-style: chr17-29559744-TGA-GG.
Other names: c.3341_3343delinsGG, p.Leu1114fs (NM_000267.4); short protein forms L1114fs.
Identifiers: ClinVar variation 4876104 (VCV004876104.1).
Genomic context (GRCh38, chr17:31,232,726, plus strand): 5'-TCACTATGTAAAGGTCAGTCTTTTTATTTCTCAGATACTTCACATTATTTATGAACCTTT[TGA>GG]ATGACTGCAGTGAAGTTGAAGATGAAAGTGCGCAAACAGGTGGCAGGAAACGTGGCATGT-3'